The following is an entry in ClinVar:

NM_014319.5(LEMD3):c.718G>T (p.Ala240Ser)

Gene: LEMD3 (LEM domain containing 3; plus strand). Cytogenetic location: 12q14.3.
Variant type: single nucleotide variant.
Coding change: c.718G>T on transcript NM_014319.5 (MANE Select); coding-DNA position 718, G replaced by T.
Protein change: p.Ala240Ser; replaces alanine 240 with serine.
Molecular consequence: missense variant.
Genome position (GRCh38, 1-based): chr12:65,170,314, G>T. VCF-style: chr12-65170314-G-T. GRCh37 (hg19) VCF-style: chr12-65564094-G-T.
Other names: c.718G>T, p.Ala240Ser (NM_001167614.2); short protein forms A240S.
Identifiers: ClinVar variation 4705935 (VCV004705935.1).

ClinVar aggregate classification (germline): Uncertain significance (1 of 4 stars; one submission).

Submission:

Labcorp Genetics (formerly Invitae), Labcorp
Classification: Uncertain significance. Last evaluated: 2025-10-27. Review status: criteria provided, single submitter. Criteria: Invitae Variant Classification Sherloc (09022015). Collection method: clinical testing. Allele origin: germline.
Comment: This sequence change replaces alanine, which is neutral and non-polar, with serine, which is neutral and polar, at codon 240 of the LEMD3 protein (p.Ala240Ser). This variant is not present in population databases (gnomAD no frequency). This variant has not been reported in the literature in individuals affected with LEMD3-related conditions. Invitae Evidence Modeling of protein sequence and biophysical properties (such as structural, functional, and spatial information, amino acid conservation, physicochemical variation, residue mobility, and thermodynamic stability) indicates that this missense variant is not expected to disrupt LEMD3 protein function with a negative predictive value of 80%. In summary, the available evidence is currently insufficient to determine the role of this variant in disease. Therefore, it has been classified as a Variant of Uncertain Significance.